The following is an entry in ClinVar:

NM_018127.7(ELAC2):c.2403C>T (p.Gly801=)

Gene: ELAC2 (elaC ribonuclease Z 2; minus strand). Cytogenetic location: 17p12.
Variant type: single nucleotide variant.
Coding change: c.2403C>T on transcript NM_018127.7 (MANE Select); coding-DNA position 2403, C replaced by T.
Protein change: p.Gly801=; no amino-acid change (glycine 801 retained).
Molecular consequence: synonymous variant.
Genome position (GRCh38, 1-based): chr17:12,992,896, G>A on the plus strand (C>T on the coding strand, the complement: ELAC2 is on the minus strand). VCF-style: chr17-12992896-G-A. GRCh37 (hg19) VCF-style: chr17-12896213-G-A.
Other names: c.2283C>T, p.Gly761= (NM_001165962.2); c.2400C>T, p.Gly800= (NM_173717.2).
Identifiers: ClinVar variation 385026 (VCV000385026.17), dbSNP rs777147755, ClinGen allele CA8400805.

ClinVar aggregate classification (germline): Likely benign. Review status: criteria provided, multiple submitters, no conflicts (2 of 4 stars). 3 submissions from 3 submitters: Likely benign (3). Last evaluated 2025-10-30.

Conditions:
Combined oxidative phosphorylation defect type 17. Also called: Combined oxidative phosphorylation deficiency 17. Identifiers: Orphanet 369913, MedGen C3809526, MONDO:0014190, OMIM 615440.

Allele frequency attached by ClinVar (database versions not stated): gnomAD exomes 0.00007 and 0.00003; ExAC 0.00001; gnomAD 0.00004 and 0.00005; TOPMed 0.00005.
gnomAD v4.1: 112 of 1,611,956 alleles (0.0069%); highest among the groups gnomAD compares: East Asian, 0.0089%; no homozygotes.

Submissions (3):

Labcorp Genetics (formerly Invitae), Labcorp
Classification: Likely benign for Combined oxidative phosphorylation defect type 17. Last evaluated: 2025-10-30. Review status: criteria provided, single submitter. Criteria: Invitae Variant Classification Sherloc (09022015). Collection method: clinical testing. Allele origin: germline.

CeGaT Center for Human Genetics Tuebingen
Classification: Likely benign. Last evaluated: 2025-10-01. Review status: criteria provided, single submitter. Criteria: CeGaT Center For Human Genetics Tuebingen Variant Classification Criteria Version 2. Collection method: clinical testing. Allele origin: germline. Affected: yes. Observed: 1 variant allele.
Comment: ELAC2: BP4, BP7

GeneDx
Classification: Likely benign. Last evaluated: 2018-08-28. Review status: criteria provided, single submitter. Criteria: GeneDx Variant Classification Process June 2021. Collection method: clinical testing. Allele origin: germline. Affected: yes.